The following is an entry in ClinVar:

ClinVar aggregate classification (germline): Uncertain significance (1 of 4 stars; one submission).

Conditions:
Combined immunodeficiency due to DOCK8 deficiency (HIES2). Also called: Hyper-IgE recurrent infection syndrome, autosomal recessive; HIES autosomal recessive; HYPER-IgE SYNDROME 2, AUTOSOMAL RECESSIVE, WITH RECURRENT INFECTIONS; HYPER-IgE RECURRENT INFECTION SYNDROME 2, AUTOSOMAL RECESSIVE; DOCK8 Deficiency. Identifiers: Orphanet 217390, MedGen C4722305, MONDO:0009478, OMIM 243700.

Submission:

Labcorp Genetics (formerly Invitae), Labcorp
Classification: Uncertain significance for Combined immunodeficiency due to DOCK8 deficiency. Last evaluated: 2022-07-02. Review status: criteria provided, single submitter. Criteria: Invitae Variant Classification Sherloc (09022015). Collection method: clinical testing. Allele origin: germline.
Comment: In summary, the available evidence is currently insufficient to determine the role of this variant in disease. Therefore, it has been classified as a Variant of Uncertain Significance. Algorithms developed to predict the effect of missense changes on protein structure and function (SIFT, PolyPhen-2, Align-GVGD) all suggest that this variant is likely to be disruptive. This variant has not been reported in the literature in individuals affected with DOCK8-related conditions. This variant is not present in population databases (gnomAD no frequency). This sequence change replaces glutamic acid, which is acidic and polar, with glutamine, which is neutral and polar, at codon 543 of the DOCK8 protein (p.Glu543Gln).

NM_203447.4(DOCK8):c.1627G>C (p.Glu543Gln)

Gene: DOCK8 (dedicator of cytokinesis 8; plus strand). Cytogenetic location: 9p24.3.
Variant type: single nucleotide variant.
Coding change: c.1627G>C on transcript NM_203447.4 (MANE Select); coding-DNA position 1627, G replaced by C.
Protein change: p.Glu543Gln; replaces glutamic acid 543 with glutamine.
Molecular consequence: missense variant.
Genome position (GRCh38, 1-based): chr9:340,269, G>C. VCF-style: chr9-340269-G-C. GRCh37 (hg19) VCF-style: chr9-340269-G-C.
Other names: c.1423G>C, p.Glu475Gln (NM_001190458.2, NM_001193536.2); short protein forms E475Q, E543Q.
Identifiers: ClinVar variation 2013114 (VCV002013114.4), dbSNP rs2051518376, ClinGen allele CA372755816.
Genomic context (GRCh38, chr9:340,269, plus strand): 5'-CTGACTCCTGAAATGCTGCCCGTGAAACCCTTTCCTGAAAACCGGACACGCCCGCACAAA[G>C]AGATTTTGGAATTTCCAACACGAGAAGTATATGTCCCTCACACTGTGTACAGGTAAGAAA-3'
Protein context (NP_982272.2, residues 533-553): FPENRTRPHK[Glu543Gln]ILEFPTREVY